The following is an entry in ClinVar:

NM_001231.5(CASQ1):c.130G>A (p.Asp44Asn)

Gene: CASQ1 (calsequestrin 1; plus strand). Cytogenetic location: 1q23.2.
Variant type: single nucleotide variant.
Coding change: c.130G>A on transcript NM_001231.5 (MANE Select); coding-DNA position 130, G replaced by A.
Protein change: p.Asp44Asn; replaces aspartic acid 44 with asparagine.
Molecular consequence: missense variant.
Genome position (GRCh38, 1-based): chr1:160,190,881, G>A. VCF-style: chr1-160190881-G-A. GRCh37 (hg19) VCF-style: chr1-160160671-G-A.
Other names: short protein forms D44N.
Identifiers: ClinVar variation 715941 (VCV000715941.36), dbSNP rs140253806, ClinGen allele CA1196079.

ClinVar aggregate classification (germline): Benign/Likely benign. Review status: criteria provided, multiple submitters, no conflicts (2 of 4 stars). 5 submissions from 5 submitters: Benign (3); Likely benign (1). 1 of the submissions does not count toward it. Last evaluated 2026-01-24.

Conditions:
CASQ1-related disorder. Also called: CASQ1-related condition.

Allele frequency attached by ClinVar (database versions not stated): 1000 Genomes Project 0.00160; 1000 Genomes Project 30x 0.00172; gnomAD 0.00175 and 0.00184; TOPMed 0.00180; ESP Exome Variant Server 0.00238.

Submissions (5):

Labcorp Genetics (formerly Invitae), Labcorp
Classification: Benign. Last evaluated: 2026-01-24. Review status: criteria provided, single submitter. Criteria: Invitae Variant Classification Sherloc (09022015). Collection method: clinical testing. Allele origin: germline.

Blueprint Genetics
Classification: Likely benign. Last evaluated: 2024-11-25. Review status: criteria provided, single submitter. Criteria: ACMG Guidelines, 2015. Collection method: clinical testing. Allele origin: germline.

CeGaT Center for Human Genetics Tuebingen
Classification: Benign. Last evaluated: 2024-06-01. Review status: criteria provided, single submitter. Criteria: CeGaT Center For Human Genetics Tuebingen Variant Classification Criteria Version 2. Collection method: clinical testing. Allele origin: germline. Affected: yes. Observed: 2 variant alleles.
Comment: CASQ1: BS1, BS2

Breakthrough Genomics
Classification: Benign. Review status: criteria provided, single submitter. Criteria: ACMG Guidelines, 2015. Collection method: not provided. Allele origin: germline. Inheritance: Autosomal dominant inheritance. Affected: yes.

PreventionGenetics, part of Exact Sciences
Classification: Likely benign for CASQ1-related condition. Last evaluated: 2020-03-03. Review status: no assertion criteria provided. Collection method: clinical testing. Allele origin: germline. Not counted in ClinVar's aggregate classification.
Comment: This variant is classified as likely benign based on ACMG/AMP sequence variant interpretation guidelines (Richards et al. 2015 PMID: 25741868, with internal and published modifications).